The following is an entry in ClinVar:

ClinVar aggregate classification (germline): Pathogenic (1 of 4 stars; one submission).

Submission:

Illumina Laboratory Services, Illumina
Classification: Pathogenic. Last evaluated: 2020-03-04. Review status: criteria provided, single submitter. Criteria: ICSL CNVClassificationCriteria Jul2020Prior. Collection method: clinical testing. Allele origin: unknown.
Comment: This CNV is a 1.3 Mb duplication of 17p12 on chromosome 17, (seq[GRCh37]dup(17)(p12); chr17:g.14098196_15442500dup). This event overlaps the well-described 17p12 duplication associated with autosomal dominant Charcot-Marie-Tooth disease, type 1A (CMT1A) and encompasses the following genes: COX10, TVP23C, CDRT15, HS3ST3B1, MGC12916, LOC101928475, TVP23C-CDRT4, CDRT7, CDRT8, PMP22, MIR4731, TEKT3, CDRT4. The 17p12 region is susceptible to rearrangements due to low copy repeats, referred to as the proximal CMT1A-REP and distal CMT1A-REP (Salpietro et al. 2018). This event fully encompasses the PMP22 gene, which has been identified as the main candidate underlying CMT1A. PMP22 encodes the peripheral myelin protein 22 which is associated with myelin organization in the peripheral nervous system (Li et al. 2013; Harel and Lupski 2014). Tandem duplications of approximately 1.4 Mb at 17p12 have been described in many individuals with CMT1A across different countries and ethnicities (Marques et al. 2005; Saporta et al. 2011). Based on the evidence, this CNV is classified as pathogenic.

Literature cited by the submitters: PubMed 15765265; PubMed 21280073; PubMed 23224996; PubMed 24697164; PubMed 30258273.

GRCh37/hg19 17p12(chr17:14098196-15442500)x3

Genes: CDRT15 (CMT1A duplicated region transcript 15; minus strand), CDRT4 (CMT1A duplicated region transcript 4; minus strand), TVP23C-CDRT4 (TVP23C-CDRT4 readthrough; minus strand), COX10 (cytochrome c oxidase assembly factor heme A:farnesyltransferase COX10; plus strand), HS3ST3B1 (heparan sulfate-glucosamine 3-sulfotransferase 3B1; plus strand) and 3 more. Cytogenetic location: 17p12.
Variant type: copy number gain.
Change: copy number 3 (three copies instead of two) of chr17:14,098,196-15,442,500 (1.34 Mb, GRCh37 coordinates, 1-based), cytogenetic band 17p12.
Identifiers: ClinVar variation 1180510 (VCV001180510.4).